The following is an entry in ClinVar:

ClinVar aggregate classification (germline): Pathogenic. Review status: criteria provided, multiple submitters, no conflicts (2 of 4 stars). 5 submissions from 5 submitters: Pathogenic (2). 3 of the submissions do not count toward it. Last evaluated 2024-02-06.

Conditions:
Congenital myopathy 4A, autosomal dominant (CMYO4A). Identifiers: MedGen CN178536, MONDO:0800341, OMIM 255310.
Congenital myopathy 4B, autosomal recessive. Also called: Nemaline myopathy 1, autosomal dominant or recessive. Identifiers: Orphanet 171433, Orphanet 171439, Orphanet 171881, MedGen C5829889, MONDO:0012239, OMIM 609284.
Congenital myopathy with fiber type disproportion. Also called: Congenital fiber-type disproportion myopathy; Congenital fiber-type disproportion. Identifiers: Orphanet 2020, MedGen C0546264, MONDO:0009711. Inheritance: all.

Submissions (5):

Baylor Genetics
Classification: Pathogenic for Congenital myopathy 4A, autosomal dominant. Last evaluated: 2024-02-06. Review status: criteria provided, single submitter. Criteria: ACMG Guidelines, 2015. Collection method: clinical testing. Allele origin: unknown.

Labcorp Genetics (formerly Invitae), Labcorp
Classification: Pathogenic for Congenital myopathy with fiber type disproportion; Congenital myopathy 4B, autosomal recessive. Last evaluated: 2023-07-06. Review status: criteria provided, single submitter. Criteria: Invitae Variant Classification Sherloc (09022015). Collection method: clinical testing. Allele origin: germline.
Comment: For these reasons, this variant has been classified as Pathogenic. ClinVar contains an entry for this variant (Variation ID: 12449). This variant is also known as a nonsense mutation at codon 31 (CAG to TAG). This premature translational stop signal has been observed in individual(s) with autosomal recessive congenital myopathy (PMID: 10619715). This variant is not present in population databases (gnomAD no frequency). This sequence change creates a premature translational stop signal (p.Gln32*) in the TPM3 gene. It is expected to result in an absent or disrupted protein product. Loss-of-function variants in TPM3 are known to be pathogenic (PMID: 10619715, 27858751).

OMIM
Classification: Pathogenic for CONGENITAL MYOPATHY 4B, AUTOSOMAL RECESSIVE. Last evaluated: 2008-03-01. Review status: no assertion criteria provided. Collection method: literature only. Allele origin: germline. Not counted in ClinVar's aggregate classification.

GeneReviews
No classification provided. Condition: Congenital myopathy 4B, autosomal recessive. Review status: no classification provided. Collection method: literature only. Allele origin: germline. Affected: yes. Not counted in ClinVar's aggregate classification.

TPM3 homepage - Leiden Muscular Dystrophy pages
No classification provided. Review status: no classification provided. Collection method: not provided. Allele origin: germline. Not counted in ClinVar's aggregate classification.

Literature cited by the submitters: PubMed 10619715 (cited by 3 submitters); PubMed 27858751 (cited by Labcorp Genetics (formerly Invitae), Labcorp); PubMed 18300303 (cited by OMIM); NCBI Bookshelf NBK1288 (cited by GeneReviews).

NM_152263.4(TPM3):c.94C>T (p.Gln32Ter)

Gene: TPM3 (tropomyosin 3; minus strand). Cytogenetic location: 1q21.3.
Variant type: single nucleotide variant.
Coding change: c.94C>T on transcript NM_152263.4 (MANE Select); coding-DNA position 94, C replaced by T.
Protein change: p.Gln32Ter; replaces glutamine 32 with a stop codon.
Molecular consequence: nonsense. On other transcripts: non-coding transcript variant (1).
Genome position (GRCh38, 1-based): chr1:154,191,925, G>A on the plus strand (C>T on the coding strand, the complement: TPM3 is on the minus strand). VCF-style: chr1-154191925-G-A. GRCh37 (hg19) VCF-style: chr1-154164401-G-A.
Other names: c.94C>T, p.Gln32Ter (NM_001364679.2, NM_001364680.2, NM_001364681.2 and 1 more transcripts); short protein forms Q32*.
Identifiers: ClinVar variation 12449 (VCV000012449.9), dbSNP rs80358248, ClinGen allele CA232705.